The following is an entry in ClinVar:

NM_000488.4(SERPINC1):c.1376C>A (p.Ala459Asp)

Gene: SERPINC1 (serpin family C member 1; minus strand). Cytogenetic location: 1q25.1.
Variant type: single nucleotide variant.
Coding change: c.1376C>A on transcript NM_000488.4 (MANE Select); coding-DNA position 1376, C replaced by A.
Protein change: p.Ala459Asp; replaces alanine 459 with aspartic acid.
Molecular consequence: missense variant.
Genome position (GRCh38, 1-based): chr1:173,903,908, G>T on the plus strand (C>A on the coding strand, the complement: SERPINC1 is on the minus strand). VCF-style: chr1-173903908-G-T. GRCh37 (hg19) VCF-style: chr1-173873046-G-T.
Other names: NM_000488.4(SERPINC1):c.1376C>A; p.Ala459Asp; c.1232C>A, p.Ala411Asp (NM_001365052.2); c.1499C>A, p.Ala500Asp (NM_001386302.1); c.1457C>A, p.Ala486Asp (NM_001386303.1); c.1355C>A, p.Ala452Asp (NM_001386304.1); c.1319C>A, p.Ala440Asp (NM_001386305.1); c.1160C>A, p.Ala387Asp (NM_001386306.1); short protein forms A459D, A411D, A387D, A440D, A452D, A486D, A500D.
Identifiers: ClinVar variation 626996 (VCV000626996.3), dbSNP rs1572084448, ClinGen allele CA343772066.

ClinVar aggregate classification (germline): Uncertain significance. Review status: reviewed by expert panel (3 of 4 stars). 2 submissions from 2 submitters: Uncertain significance (1). 1 of the submissions does not count toward it. Last evaluated 2024-12-20.

Conditions:
Hereditary antithrombin deficiency (AT3D). Also called: Antithrombin III deficiency; Thrombophilia due to antithrombin III deficiency; Reduced antithrombin III activity; Antithrombin deficiency. Identifiers: Orphanet 82, MedGen C0272375, MONDO:0013144, OMIM 613118, HP:0001976.

Submissions (2):

Clingen Thrombosis Variant Curation Expert Panel, ClinGen
Classification: Uncertain significance for Hereditary antithrombin deficiency. Last evaluated: 2024-12-20. Review status: reviewed by expert panel. Criteria: ClinGen ACMG Specifications SERPINC1 V1.0.0. Collection method: curation. Allele origin: germline. Inheritance: Autosomal dominant inheritance.
Comment: The c.1376C>A variant in SERPINC1 is a missense variant predicted to cause substitution of alanine by aspartic acid at amino acid 459 (p.Ala459Asp). This variant has been reported in 2 probands meeting an antithrombin activity level of < 0.8 IU/mL. One proband had a family history of disease with reported antithrombin activity level and one proband had a family history of disease but no antithrombin activity level was reported (PS4_Supporting; PMIDs: 8401542, 23809926). This variant is absent from gnomAD v2.1.1, v3.1.2 and v4.1 (PM2_Supporting). The computational predictor REVEL gives a score of 0.756, which is above the threshold of 0.6, evidence that correlates with impact to SERPINC1 function (PP3). AT activity levels are shown to be reduced (27%) of WT when Ala459Asp was expressed in COS (PMID: 23809926), meeting criteria for PS3_Supporting. In summary, this variant meets the criteria to be classified as uncertain significance due to insufficient evidence for autosomal dominant hereditary antithrombin deficiency based on the ACMG/AMP criteria applied, as specified by the ClinGen Thrombosis VCEP: PP3, PM2_Supporting, PS4_Supporting, PS3_Supporting.

NIHR Bioresource Rare Diseases, University of Cambridge
Classification: Likely pathogenic for Hereditary antithrombin deficiency. Last evaluated: 2019-02-01. Review status: criteria provided, single submitter. Criteria: ACMG Guidelines, 2015. Collection method: research. Allele origin: unknown. Affected: yes. Observed: 1 heterozygote. Study: ThromboGenomics. Not counted in ClinVar's aggregate classification.

Literature cited by the submitters: PubMed 31064749 (cited by NIHR Bioresource Rare Diseases, University of Cambridge).